The following is an entry in ClinVar:

NM_058216.3(RAD51C):c.637T>C (p.Cys213Arg)

Genes: RAD51C (RAD51 paralog C; plus strand), LOC129390903 (MPRA-validated peak2919 silencer; plus strand). Cytogenetic location: 17q22.
Variant type: single nucleotide variant.
Coding change: c.637T>C on transcript NM_058216.3 (MANE Select); coding-DNA position 637, T replaced by C.
Protein change: p.Cys213Arg; replaces cysteine 213 with arginine.
Molecular consequence: missense variant. On other transcripts: non-coding transcript variant (1).
Genome position (GRCh38, 1-based): chr17:58,703,261, T>C. VCF-style: chr17-58703261-T-C. GRCh37 (hg19) VCF-style: chr17-56780622-T-C.
Other names: c.*65T>C (NM_058217.1); short protein forms C213R.
Identifiers: ClinVar variation 2974391 (VCV002974391.3), dbSNP rs2509299715, ClinGen allele CA400349517.

ClinVar aggregate classification (germline): Uncertain significance (1 of 4 stars; one submission).

Conditions:
Fanconi anemia complementation group O. Also called: RAD51C-Related Fanconi Anemia. Identifiers: Orphanet 84, MedGen C3150653, MONDO:0013248, OMIM 613390.

Submission:

Labcorp Genetics (formerly Invitae), Labcorp
Classification: Uncertain significance for Fanconi anemia complementation group O. Last evaluated: 2024-02-05. Review status: criteria provided, single submitter. Criteria: Invitae Variant Classification Sherloc (09022015). Collection method: clinical testing. Allele origin: germline.
Comment: This sequence change replaces cysteine, which is neutral and slightly polar, with arginine, which is basic and polar, at codon 213 of the RAD51C protein (p.Cys213Arg). This variant is not present in population databases (gnomAD no frequency). This variant has not been reported in the literature in individuals affected with RAD51C-related conditions. Advanced modeling of protein sequence and biophysical properties (such as structural, functional, and spatial information, amino acid conservation, physicochemical variation, residue mobility, and thermodynamic stability) performed at Invitae indicates that this missense variant is expected to disrupt RAD51C protein function with a positive predictive value of 80%. In summary, the available evidence is currently insufficient to determine the role of this variant in disease. Therefore, it has been classified as a Variant of Uncertain Significance.